The following is an entry in ClinVar:

NM_000260.4(MYO7A):c.977T>C (p.Leu326Pro)

Gene: MYO7A (myosin VIIA; plus strand). Cytogenetic location: 11q13.5.
Variant type: single nucleotide variant.
Coding change: c.977T>C on transcript NM_000260.4 (MANE Select); coding-DNA position 977, T replaced by C.
Protein change: p.Leu326Pro; replaces leucine 326 with proline.
Molecular consequence: missense variant.
Genome position (GRCh38, 1-based): chr11:77,158,404, T>C. VCF-style: chr11-77158404-T-C. GRCh37 (hg19) VCF-style: chr11-76869450-T-C.
Other names: c.977T>C, p.Leu326Pro (NM_001127180.2); c.944T>C, p.Leu315Pro (NM_001369365.1); short protein forms L315P, L326P.
Identifiers: ClinVar variation 3895947 (VCV003895947.1).
Genomic context (GRCh38, chr11:77,158,404, plus strand): 5'-AGGTGCTCATGTTCACTGACACCGAGAACTGGGAGATCTCGAAGCTCCTGGCTGCCATCC[T>C]GCACCTGGGCAACCTGCAGTATGAGGGTGAGGCTGCGCCACACTCGCCCTGCCCCACCCC-3'
Protein context (NP_000251.3, residues 316-336): WEISKLLAAI[Leu326Pro]HLGNLQYEAR

ClinVar aggregate classification (germline): Uncertain significance (1 of 4 stars; one submission).

Submission:

Women's Health and Genetics/Laboratory Corporation of America, LabCorp
Classification: Uncertain significance. Last evaluated: 2025-03-25. Review status: criteria provided, single submitter. Criteria: LabCorp Variant Classification Summary - May 2015. Collection method: clinical testing. Allele origin: germline.
Comment: Variant summary: MYO7A c.977T>C (p.Leu326Pro) results in a non-conservative amino acid change in the encoded protein sequence. Five of five in-silico tools predict a damaging effect of the variant on protein function. The variant was absent in 247930 control chromosomes. The available data on variant occurrences in the general population are insufficient to allow any conclusion about variant significance. c.977T>C has been reported in the literature in at least one individual with clinical features consistent with Usher Syndrome (e.g., Karali_2022, Sodi_2014). These data do not allow any conclusion about variant significance. To our knowledge, no experimental evidence demonstrating an impact on protein function has been reported. The following publications have been ascertained in the context of this evaluation (PMID: 36460718, 25558175). No submitters have cited clinical-significance assessments for this variant to ClinVar. Based on the evidence outlined above, the variant was classified as uncertain significance.

Literature cited by the submitters: PubMed 25558175; PubMed 36460718.